The following is an entry in ClinVar:

ClinVar aggregate classification (germline): Likely benign. Review status: criteria provided, multiple submitters, no conflicts (2 of 4 stars). 3 submissions from 3 submitters: Likely benign (2). 1 of the submissions does not count toward it. Last evaluated 2026-04-16.

Conditions:
Polycystic kidney disease. Also called: Kidney, Polycystic; Polycystic kidney dysplasia. Identifiers: MedGen C0022680, MeSH D007690, MONDO:0020642, HP:0000113.
PKD1-related disorder. Also called: PKD1-related condition.

Allele frequency attached by ClinVar (database versions not stated): TOPMed 0.00019; 1000 Genomes Project 30x 0.00047; 1000 Genomes Project 0.00060.
gnomAD v4.1: 277 of 1,612,658 alleles (0.017%); highest among the groups gnomAD compares: South Asian, 0.17%; 1 homozygote.

Submissions (3):

PreventionGenetics, part of Exact Sciences
Classification: Likely benign for PKD1-related condition. Last evaluated: 2026-04-16. Review status: criteria provided, single submitter. Criteria: ACMG Guidelines, 2015. Collection method: clinical testing. Allele origin: germline.
Comment: This variant is classified as likely benign based on ACMG/AMP sequence variant interpretation guidelines (Richards et al. 2015 PMID: 25741868, with internal and published modifications).

Breakthrough Genomics
Classification: Likely benign. Review status: criteria provided, single submitter. Criteria: ACMG Guidelines, 2015. Collection method: not provided. Allele origin: germline. Inheritance: Autosomal dominant inheritance. Affected: yes.

Department of Pathology and Laboratory Medicine, Sinai Health System
Classification: Likely benign for Polycystic Kidney disease. Review status: no assertion criteria provided. Collection method: clinical testing. Allele origin: unknown. Affected: yes. Study: The Canadian Open Genetics Repository (COGR). Not counted in ClinVar's aggregate classification.
Comment: The PKD1 p.Leu4026= variant was identified in 1 of 460 proband chromosomes (frequency: 0.002) from individuals or families with autosomal dominant polycystic kidney disease (Rossetti 2012). The variant was identified in dbSNP (rs562488184) as â€šÃ„ÃºNAâ€šÃ„Ã¹ and ADPKD Mutation Database (observed 3x). The variant was not identified in the ClinVar, LOVD 3.0 or PKD1-LOVD databases. The variant was identified in control databases in 66 of 278,404 chromosomes at a frequency of 0.0002 (Genome Aggregation Database Feb 27, 2017). The variant was observed in the following populations: South Asian in 51 of 30,578 chromosomes (freq: 0.002, increasing the likelihood this could be a low frequency benign variant), African in 10 of 24,576 chromosomes (freq: 0.0004), Other in 1 of 7138 chromosomes (freq: 0.0001), and European in 4 of 125,806 chromosomes (freq: 0.00003); it was not observed in the Latino, Ashkenazi Jewish, East Asian or Finnish populations. The p.Leu4026= variant is not expected to have clinical significance because it does not result in a change of amino acid and is not located in a known consensus splice site. The variant occurs at a non-highly conserved nucleotide outside of the splicing consensus sequence and in silico or computational prediction software programs (SpliceSiteFinder, MaxEntScan, NNSPLICE, GeneSplicer) do not predict a difference in splicing. In summary, based on the above information, the clinical significance of this variant cannot be determined with certainty at this time although we would lean towards a more benign role for this variant. This variant is classified as likely benign.

NM_001009944.3(PKD1):c.12078C>T (p.Leu4026=)

Gene: PKD1 (polycystin 1, transient receptor potential channel interacting; minus strand). Cytogenetic location: 16p13.3.
Variant type: single nucleotide variant.
Coding change: c.12078C>T on transcript NM_001009944.3 (MANE Select); coding-DNA position 12078, C replaced by T.
Protein change: p.Leu4026=; no amino-acid change (leucine 4026 retained).
Molecular consequence: synonymous variant.
Genome position (GRCh38, 1-based): chr16:2,090,734, G>A on the plus strand (C>T on the coding strand, the complement: PKD1 is on the minus strand). VCF-style: chr16-2090734-G-A. GRCh37 (hg19) VCF-style: chr16-2140735-G-A.
Other names: c.12078C>T (NM_001009944.2); c.12075C>T, p.Leu4025= (NM_000296.4).
Identifiers: ClinVar variation 997259 (VCV000997259.3), dbSNP rs562488184, ClinGen allele CA7828842.